The following is an entry in ClinVar:

ClinVar aggregate classification (germline): Pathogenic (1 of 4 stars; one submission).

Submission:

Labcorp Genetics (formerly Invitae), Labcorp
Classification: Pathogenic. Last evaluated: 2023-04-08. Review status: criteria provided, single submitter. Criteria: Invitae Variant Classification Sherloc (09022015). Collection method: clinical testing. Allele origin: germline.
Comment: This sequence change creates a premature translational stop signal (p.Cys67*) in the USH2A gene. It is expected to result in an absent or disrupted protein product. Loss-of-function variants in USH2A are known to be pathogenic (PMID: 10729113, 10909849, 20507924, 25649381). For these reasons, this variant has been classified as Pathogenic. This variant has not been reported in the literature in individuals affected with USH2A-related conditions. This variant is not present in population databases (gnomAD no frequency).

Literature cited by the submitters: PubMed 10729113; PubMed 10909849; PubMed 20507924; PubMed 25649381.

NM_206933.4(USH2A):c.201T>A (p.Cys67Ter)

Gene: USH2A (usherin; minus strand). Cytogenetic location: 1q41.
Variant type: single nucleotide variant.
Coding change: c.201T>A on transcript NM_206933.4 (MANE Select); coding-DNA position 201, T replaced by A.
Protein change: p.Cys67Ter; replaces cysteine 67 with a stop codon.
Molecular consequence: nonsense.
Genome position (GRCh38, 1-based): chr1:216,422,136, A>T on the plus strand (T>A on the coding strand, the complement: USH2A is on the minus strand). VCF-style: chr1-216422136-A-T. GRCh37 (hg19) VCF-style: chr1-216595478-A-T.
Other names: c.201T>A, p.Cys67Ter (NM_007123.6); short protein forms C67*.
Identifiers: ClinVar variation 2853673 (VCV002853673.3), dbSNP rs2527654883, ClinGen allele CA344904576.